The following is an entry in ClinVar:

NM_001183.6(ATP6AP1):c.220C>G (p.Leu74Val)

Gene: ATP6AP1 (ATPase H+ transporting accessory protein 1; plus strand). Cytogenetic location: Xq28.
Variant type: single nucleotide variant.
Coding change: c.220C>G on transcript NM_001183.6 (MANE Select); coding-DNA position 220, C replaced by G.
Protein change: p.Leu74Val; replaces leucine 74 with valine.
Molecular consequence: missense variant.
Genome position (GRCh38, 1-based): chrX:154,429,106, C>G. VCF-style: chrX-154429106-C-G. GRCh37 (hg19) VCF-style: chrX-153657452-C-G.
Other names: short protein forms L74V.
Identifiers: ClinVar variation 2571385 (VCV002571385.29), dbSNP rs1175778112, ClinGen allele CA415187879.

ClinVar aggregate classification (germline): Conflicting classifications of pathogenicity. Review status: criteria provided, conflicting classifications (1 of 4 stars). 2 submissions from 2 submitters: Likely pathogenic (1); Uncertain significance (1). Last evaluated 2023-06-01.

Conditions:
Immunodeficiency 47 (IMD47). Also called: IMMUNODEFICIENCY AND HEPATOPATHY WITH OR WITHOUT NEUROLOGIC FEATURES. Identifiers: Orphanet 692790, MedGen C4310819, MONDO:0010504, OMIM 300972.

Allele frequency attached by ClinVar (database versions not stated): gnomAD exomes below 0.00001; TOPMed 0.00001; gnomAD 0.00002.
gnomAD v4.1: 6 of 1,210,210 alleles (0.0005%); highest among the groups gnomAD compares: Non-Finnish European, 0.00067%; no homozygotes.

Submissions (2):

CeGaT Center for Human Genetics Tuebingen
Classification: Uncertain significance. Last evaluated: 2023-06-01. Review status: criteria provided, single submitter. Criteria: CeGaT Center For Human Genetics Tuebingen Variant Classification Criteria Version 2. Collection method: clinical testing. Allele origin: germline. Affected: yes. Observed: 1 variant allele.
Comment: ATP6AP1: PM5, PM2:Supporting

Institute for Medical Genetics and Human Genetics, Charité - Universitätsmedizin Berlin
Classification: Likely pathogenic for Immunodeficiency 47. Review status: criteria provided, single submitter. Criteria: ACMG Guidelines, 2015. Collection method: not provided. Allele origin: germline. Inheritance: Autosomal recessive inheritance. Affected: yes.